The following is an entry in ClinVar:

ClinVar aggregate classification (germline): Uncertain significance (1 of 4 stars; one submission).

Conditions:
Myofibrillar myopathy 6. Identifiers: Orphanet 199340, MedGen C2751831, MONDO:0013061, OMIM 612954.
Dilated cardiomyopathy 1HH (CMD1HH). Identifiers: Orphanet 154, MedGen C3151293, MONDO:0013479, OMIM 613881.

Submission:

Labcorp Genetics (formerly Invitae), Labcorp
Classification: Uncertain significance for Dilated cardiomyopathy 1HH; Myofibrillar myopathy 6. Last evaluated: 2025-04-07. Review status: criteria provided, single submitter. Criteria: Invitae Variant Classification Sherloc (09022015). Collection method: clinical testing. Allele origin: germline.
Comment: This sequence change affects the initiator methionine of the BAG3 mRNA. The next in-frame methionine is located at codon 9. This variant is not present in population databases (gnomAD no frequency). This variant has not been reported in the literature in individuals affected with BAG3-related conditions. ClinVar contains an entry for this variant (Variation ID: 1953036). Experimental studies and prediction algorithms are not available or were not evaluated, and the functional significance of this variant is currently unknown. In summary, the available evidence is currently insufficient to determine the role of this variant in disease. Therefore, it has been classified as a Variant of Uncertain Significance.

NM_004281.4(BAG3):c.1A>C (p.Met1Leu)

Gene: BAG3 (BAG cochaperone 3; plus strand). Cytogenetic location: 10q26.11.
Variant type: single nucleotide variant.
Coding change: c.1A>C on transcript NM_004281.4 (MANE Select); coding-DNA position 1, A replaced by C.
Protein change: p.Met1Leu; changes the start codon (methionine 1).
Molecular consequence: missense variant, initiator codon variant.
Genome position (GRCh38, 1-based): chr10:119,651,676, A>C. VCF-style: chr10-119651676-A-C. GRCh37 (hg19) VCF-style: chr10-121411188-A-C.
Other names: short protein forms M1L.
Identifiers: ClinVar variation 1953036 (VCV001953036.6), dbSNP rs1589619813, ClinGen allele CA378293960.